The following is an entry in ClinVar:

ClinVar aggregate classification (germline): Uncertain significance (1 of 4 stars; one submission).

gnomAD v4.1: 4 of 1,613,428 alleles (0.00025%); highest among the groups gnomAD compares: Non-Finnish European, 0.00034%; no homozygotes.

Submission:

CeGaT Center for Human Genetics Tuebingen
Classification: Uncertain significance. Last evaluated: 2024-01-01. Review status: criteria provided, single submitter. Criteria: CeGaT Center For Human Genetics Tuebingen Variant Classification Criteria Version 2. Collection method: clinical testing. Allele origin: germline. Affected: yes. Observed: 1 variant allele.
Comment: DHX30: PM2

NM_138615.3(DHX30):c.3380G>T (p.Arg1127Leu)

Gene: DHX30 (DExH-box helicase 30; plus strand). Cytogenetic location: 3p21.31.
Variant type: single nucleotide variant.
Coding change: c.3380G>T on transcript NM_138615.3 (MANE Select); coding-DNA position 3380, G replaced by T.
Protein change: p.Arg1127Leu; replaces arginine 1127 with leucine.
Molecular consequence: missense variant.
Genome position (GRCh38, 1-based): chr3:47,849,915, G>T. VCF-style: chr3-47849915-G-T. GRCh37 (hg19) VCF-style: chr3-47891405-G-T.
Other names: c.3296G>T, p.Arg1099Leu (NM_001330990.2); c.3263G>T, p.Arg1088Leu (NM_014966.4); short protein forms R1088L, R1099L, R1127L.
Identifiers: ClinVar variation 3027009 (VCV003027009.22), dbSNP rs865805465, ClinGen allele CA352596508.